The following is an entry in ClinVar:

ClinVar aggregate classification (germline): Uncertain significance (1 of 4 stars; one submission).

Submission:

Labcorp Genetics (formerly Invitae), Labcorp
Classification: Uncertain significance. Last evaluated: 2024-10-16. Review status: criteria provided, single submitter. Criteria: Invitae Variant Classification Sherloc (09022015). Collection method: clinical testing. Allele origin: germline.
Comment: This sequence change replaces threonine, which is neutral and polar, with alanine, which is neutral and non-polar, at codon 455 of the ORC1 protein (p.Thr455Ala). This variant is not present in population databases (gnomAD no frequency). This variant has not been reported in the literature in individuals affected with ORC1-related conditions. ClinVar contains an entry for this variant (Variation ID: 1485589). Invitae Evidence Modeling of protein sequence and biophysical properties (such as structural, functional, and spatial information, amino acid conservation, physicochemical variation, residue mobility, and thermodynamic stability) indicates that this missense variant is not expected to disrupt ORC1 protein function with a negative predictive value of 80%. In summary, the available evidence is currently insufficient to determine the role of this variant in disease. Therefore, it has been classified as a Variant of Uncertain Significance.

NM_004153.4(ORC1):c.1363A>G (p.Thr455Ala)

Gene: ORC1 (origin recognition complex subunit 1; minus strand). Cytogenetic location: 1p32.3.
Variant type: single nucleotide variant.
Coding change: c.1363A>G on transcript NM_004153.4 (MANE Select); coding-DNA position 1363, A replaced by G.
Protein change: p.Thr455Ala; replaces threonine 455 with alanine.
Molecular consequence: missense variant.
Genome position (GRCh38, 1-based): chr1:52,388,462, T>C on the plus strand (A>G on the coding strand, the complement: ORC1 is on the minus strand). VCF-style: chr1-52388462-T-C. GRCh37 (hg19) VCF-style: chr1-52854134-T-C.
Other names: c.1363A>G, p.Thr455Ala (NM_001190818.2, NM_001190819.2); short protein forms T455A.
Identifiers: ClinVar variation 1485589 (VCV001485589.6), dbSNP rs2147930304, ClinGen allele CA340356921.
Genomic context (GRCh38, chr1:52,388,462, plus strand): 5'-AGGGATGCTTCAATGGGAAGTAAACCTAGAAGAACCTTACACTCTTCTTTGGCACCTTCG[T>C]GAGGGTATGTAAGGATGACTTCAAGGAAGATCGCAGGTTCCTGGACACAGTTCTGGGTGC-3'
Protein context (NP_004144.2, residues 445-465): SSLKSSLHTL[Thr455Ala]KVPKKSLKPR